The following is an entry in ClinVar:

ClinVar aggregate classification (germline): Uncertain significance (1 of 4 stars; one submission).

Allele frequency attached by ClinVar (database versions not stated): gnomAD 0.00001; gnomAD exomes 0.00002; TOPMed 0.00002; ESP Exome Variant Server 0.00008.
gnomAD v4.1: 33 of 1,614,050 alleles (0.002%); highest among the groups gnomAD compares: Non-Finnish European, 0.0024%; no homozygotes.

Submission:

GeneDx
Classification: Uncertain significance. Last evaluated: 2017-01-20. Review status: criteria provided, single submitter. Criteria: GeneDx Variant Classification (06012015). Collection method: clinical testing. Allele origin: germline. Affected: yes.
Comment: A variant of uncertain significance has been identified in the ARFGEF2 gene. The N430S variant has not been published as a pathogenic variant, nor has it been reported as a benign variant to our knowledge. The N430S variant is not observed at a significant frequency in large population cohorts (Lek et al., 2016; 1000 Genomes Consortium et al., 2015; Exome Variant Server). The N430S variant is a conservative amino acid substitution, which is not likely to impact secondary protein structure as these residues share similar properties. This substitution occurs at a position where amino acids with similar properties to Asparagine are tolerated across species. In silico analysis is inconsistent in its predictions as to whether or not the variant is damaging to the protein structure/function. Based on the currently available information, it is unclear whether this variant is a pathogenic variant or a rare benign variant.

NM_006420.3(ARFGEF2):c.1289A>G (p.Asn430Ser)

Gene: ARFGEF2 (ARF guanine nucleotide exchange factor 2; plus strand). Cytogenetic location: 20q13.13.
Variant type: single nucleotide variant.
Coding change: c.1289A>G on transcript NM_006420.3 (MANE Select); coding-DNA position 1289, A replaced by G.
Protein change: p.Asn430Ser; replaces asparagine 430 with serine.
Molecular consequence: missense variant.
Genome position (GRCh38, 1-based): chr20:48,971,218, A>G. VCF-style: chr20-48971218-A-G. GRCh37 (hg19) VCF-style: chr20-47587755-A-G.
Other names: short protein forms N430S.
Identifiers: ClinVar variation 393009 (VCV000393009.2), dbSNP rs373419435, ClinGen allele CA16607990.